The following is an entry in ClinVar:

ClinVar aggregate classification (germline): Uncertain significance. Review status: criteria provided, multiple submitters, no conflicts (2 of 4 stars). 5 submissions from 5 submitters: Uncertain significance (4). 1 of the submissions does not count toward it. Last evaluated 2025-08-08.

Conditions:
Geleophysic dysplasia 1 (GPHYSD1). Also called: Geleophysic dwarfism. Identifiers: Orphanet 2623, MedGen C3278147, MONDO:0009269, OMIM 231050.
Inborn genetic diseases. Identifiers: MedGen C0950123, MeSH D030342.

Allele frequency attached by ClinVar (database versions not stated): ExAC 0.00001; gnomAD 0.00001; gnomAD exomes 0.00001; TOPMed 0.00002.
gnomAD v4.1: 9 of 1,614,012 alleles (0.00056%); highest among the groups gnomAD compares: Middle Eastern, 0.016%; no homozygotes.

Submissions (5):

Ambry Genetics
Classification: Uncertain significance for Inborn genetic diseases. Last evaluated: 2025-08-08. Review status: criteria provided, single submitter. Criteria: Ambry Variant Classification Scheme 2023. Collection method: clinical testing. Allele origin: germline.

GeneDx
Classification: Uncertain significance. Last evaluated: 2024-08-12. Review status: criteria provided, single submitter. Criteria: GeneDx Variant Classification Process June 2021. Collection method: clinical testing. Allele origin: germline. Affected: yes.
Comment: Not observed at significant frequency in large population cohorts (gnomAD); In silico analysis supports that this missense variant has a deleterious effect on protein structure/function; Has not been previously published as pathogenic or benign to our knowledge

Laboratory of Inherited Metabolic Diseases, Research centre for medical genetics
Classification: Uncertain significance for Geleophysic dysplasia 1. Last evaluated: 2022-05-14. Review status: criteria provided, single submitter. Criteria: ACMG Guidelines, 2015. Collection method: clinical testing. Allele origin: maternal. Affected: yes.

Blueprint Genetics
Classification: Uncertain significance. Last evaluated: 2021-11-12. Review status: criteria provided, single submitter. Criteria: ACMG Guidelines, 2015. Collection method: clinical testing. Allele origin: germline.

Mustafa Tekin Lab, University Of Miami, Miller School Of Medicine
Classification: Uncertain significance for Geleophysic dysplasia 1. Last evaluated: 2024-12-02. Review status: no assertion criteria provided. Collection method: research. Allele origin: germline. Affected: yes. Observed: 1 compound heterozygote. Not counted in ClinVar's aggregate classification.

NM_014694.4(ADAMTSL2):c.707C>T (p.Pro236Leu)

Gene: ADAMTSL2 (ADAMTS like 2; plus strand). Cytogenetic location: 9q34.2.
Variant type: single nucleotide variant.
Coding change: c.707C>T on transcript NM_014694.4 (MANE Select); coding-DNA position 707, C replaced by T.
Protein change: p.Pro236Leu; replaces proline 236 with leucine.
Molecular consequence: missense variant.
Genome position (GRCh38, 1-based): chr9:133,544,494, C>T. VCF-style: chr9-133544494-C-T. GRCh37 (hg19) VCF-style: chr9-136409616-C-T.
Other names: c.707C>T, p.Pro236Leu (NM_001145320.2); c.707C>T (NM_014694.3); short protein forms P236L.
Identifiers: ClinVar variation 1723868 (VCV001723868.5), dbSNP rs754545792, ClinGen allele CA5312726.